The following is an entry in ClinVar:

ClinVar aggregate classification (germline): Conflicting classifications of pathogenicity. Review status: criteria provided, conflicting classifications (1 of 4 stars). 4 submissions from 4 submitters: Uncertain significance (2); Likely benign (2). Last evaluated 2025-02-19.

Conditions:
Inborn genetic diseases. Identifiers: MedGen C0950123, MeSH D030342.

Allele frequency attached by ClinVar (database versions not stated): ESP Exome Variant Server 0.00024; gnomAD 0.00050 and 0.00053; TOPMed 0.00067; 1000 Genomes Project 0.00120; 1000 Genomes Project 30x 0.00125.
gnomAD v4.1: 140 of 1,597,910 alleles (0.0088%); highest among the groups gnomAD compares: African/African-American, 0.16%; no homozygotes.

Submissions (4):

Labcorp Genetics (formerly Invitae), Labcorp
Classification: Likely benign. Last evaluated: 2025-02-19. Review status: criteria provided, single submitter. Criteria: Invitae Variant Classification Sherloc (09022015). Collection method: clinical testing. Allele origin: germline.

Ambry Genetics
Classification: Likely benign for Inborn genetic diseases. Last evaluated: 2023-02-13. Review status: criteria provided, single submitter. Criteria: Ambry Variant Classification Scheme 2023. Collection method: clinical testing. Allele origin: germline.

GeneDx
Classification: Uncertain significance. Last evaluated: 2020-10-07. Review status: criteria provided, single submitter. Criteria: GeneDx Variant Classification Process June 2021. Collection method: clinical testing. Allele origin: germline. Affected: yes.
Comment: In silico analysis supports that this missense variant does not alter protein structure/function; Has not been previously published as pathogenic or benign to our knowledge

Genetic Services Laboratory, University of Chicago
Classification: Uncertain significance. Last evaluated: 2015-03-17. Review status: criteria provided, single submitter. Criteria: ACMG Guidelines, 2015. Collection method: clinical testing. Allele origin: germline.

NM_001083961.2(WDR62):c.4564G>A (p.Gly1522Arg)

Gene: WDR62 (WD repeat domain 62; plus strand). Cytogenetic location: 19q13.12.
Variant type: single nucleotide variant.
Coding change: c.4564G>A on transcript NM_001083961.2 (MANE Select); coding-DNA position 4564, G replaced by A.
Protein change: p.Gly1522Arg; replaces glycine 1522 with arginine.
Molecular consequence: missense variant.
Genome position (GRCh38, 1-based): chr19:36,105,020, G>A. VCF-style: chr19-36105020-G-A. GRCh37 (hg19) VCF-style: chr19-36595922-G-A.
Other names: c.4549G>A, p.Gly1517Arg (NM_173636.5); short protein forms G1522R, G1517R.
Identifiers: ClinVar variation 212608 (VCV000212608.15), dbSNP rs142600079, ClinGen allele CA209896.
Genomic context (GRCh38, chr19:36,105,020, plus strand): 5'-CAGGCCCTGCTGGAACACTACTCGGAGCTGCTGGTGCAGGCCGTGCGGAGGAAGGCACGG[G>A]GGCACTGAGGGCGCAGCCCCTCCACCGCAGCCCTGCTGCTTCTGAGGACTTAGGTATTTT-3'
Protein context (NP_001077430.1, residues 1512-1523): LVQAVRRKAR[Gly1522Arg]H